The following is an entry in ClinVar:

ClinVar aggregate classification (germline): Uncertain significance. Review status: criteria provided, multiple submitters, no conflicts (2 of 4 stars). 2 submissions from 2 submitters: Uncertain significance (2). Last evaluated 2025-04-23.

Conditions:
Cardiovascular phenotype. Identifiers: MedGen CN230736.
Distal myopathy with posterior leg and anterior hand involvement. Also called: WILLIAMS DISTAL MYOPATHY. Identifiers: Orphanet 63273, MedGen C3279722, MONDO:0013550, OMIM 614065.
Hypertrophic cardiomyopathy 26. Also called: Cardiomyopathy, familial hypertrophic, 26. Identifiers: Orphanet 75249, MedGen C4310749, MONDO:0014883, OMIM 617047.
Myofibrillar myopathy 5. Also called: FILAMINOPATHY, AUTOSOMAL DOMINANT; Filaminopathy (type). Identifiers: Orphanet 171445, MedGen C1836050, MONDO:0012289, OMIM 609524.

Submissions (2):

Labcorp Genetics (formerly Invitae), Labcorp
Classification: Uncertain significance for Distal myopathy with posterior leg and anterior hand involvement; Myofibrillar myopathy 5; Hypertrophic cardiomyopathy 26. Last evaluated: 2025-04-23. Review status: criteria provided, single submitter. Criteria: Invitae Variant Classification Sherloc (09022015). Collection method: clinical testing. Allele origin: germline.
Comment: This sequence change replaces serine, which is neutral and polar, with asparagine, which is neutral and polar, at codon 2182 of the FLNC protein (p.Ser2182Asn). This variant is not present in population databases (gnomAD no frequency). This variant has not been reported in the literature in individuals affected with FLNC-related conditions. ClinVar contains an entry for this variant (Variation ID: 3221749). An algorithm developed to predict the effect of missense changes on protein structure and function (PolyPhen-2) suggests that this variant is likely to be tolerated. In summary, the available evidence is currently insufficient to determine the role of this variant in disease. Therefore, it has been classified as a Variant of Uncertain Significance.

Ambry Genetics
Classification: Uncertain significance for Cardiovascular phenotype. Last evaluated: 2023-12-12. Review status: criteria provided, single submitter. Criteria: Ambry Variant Classification Scheme 2023. Collection method: clinical testing. Allele origin: germline.
Comment: The p.S2182N variant (also known as c.6545G>A), located in coding exon 40 of the FLNC gene, results from a G to A substitution at nucleotide position 6545. The serine at codon 2182 is replaced by asparagine, an amino acid with highly similar properties. This amino acid position is conserved. In addition, this alteration is predicted to be tolerated by in silico analysis. Since supporting evidence is limited at this time, the clinical significance of this alteration remains unclear.

NM_001458.5(FLNC):c.6545G>A (p.Ser2182Asn)

Genes: FLNC-AS1 (FLNC antisense RNA 1; minus strand), FLNC (filamin C; plus strand). Cytogenetic location: 7q32.1.
Variant type: single nucleotide variant.
Coding change: c.6545G>A on transcript NM_001458.5 (MANE Select); coding-DNA position 6545, G replaced by A.
Protein change: p.Ser2182Asn; replaces serine 2182 with asparagine.
Molecular consequence: missense variant.
Genome position (GRCh38, 1-based): chr7:128,854,034, G>A. VCF-style: chr7-128854034-G-A. GRCh37 (hg19) VCF-style: chr7-128494088-G-A.
Other names: c.6446G>A, p.Ser2149Asn (NM_001127487.2); short protein forms S2149N, S2182N.
Identifiers: ClinVar variation 3221749 (VCV003221749.2), dbSNP rs2536663652, ClinGen allele CA369212789.